The following is an entry in ClinVar:

ClinVar aggregate classification (germline): Uncertain significance (1 of 4 stars; one submission).

Conditions:
Acyl-CoA oxidase deficiency. Also called: STRAIGHT-CHAIN ACYL-CoA OXIDASE DEFICIENCY; Pseudoneonatal adrenoleukodystrophy; Peroxisomal acyl-CoA oxidase deficiency. Identifiers: Orphanet 2971, MedGen C1849678, MONDO:0009919, OMIM 264470. Disease mechanism: loss of function.

Allele frequency attached by ClinVar (database versions not stated): gnomAD exomes below 0.00001; gnomAD 0.00001; TOPMed 0.00001.
gnomAD v4.1: 4 of 1,614,080 alleles (0.00025%); highest among the groups gnomAD compares: Non-Finnish European, 0.00034%; no homozygotes.

Submission:

Labcorp Genetics (formerly Invitae), Labcorp
Classification: Uncertain significance for Acyl-CoA oxidase deficiency. Last evaluated: 2023-08-14. Review status: criteria provided, single submitter. Criteria: Invitae Variant Classification Sherloc (09022015). Collection method: clinical testing. Allele origin: germline.
Comment: In summary, the available evidence is currently insufficient to determine the role of this variant in disease. Therefore, it has been classified as a Variant of Uncertain Significance. Algorithms developed to predict the effect of sequence changes on RNA splicing suggest that this variant may create or strengthen a splice site. Advanced modeling of protein sequence and biophysical properties (such as structural, functional, and spatial information, amino acid conservation, physicochemical variation, residue mobility, and thermodynamic stability) performed at Invitae indicates that this missense variant is not expected to disrupt ACOX1 protein function. This variant has not been reported in the literature in individuals affected with ACOX1-related conditions. This variant is not present in population databases (gnomAD no frequency). This sequence change replaces aspartic acid, which is acidic and polar, with histidine, which is basic and polar, at codon 602 of the ACOX1 protein (p.Asp602His).

NM_004035.7(ACOX1):c.1804G>C (p.Asp602His)

Gene: ACOX1 (acyl-CoA oxidase 1; minus strand). Cytogenetic location: 17q25.1.
Variant type: single nucleotide variant.
Coding change: c.1804G>C on transcript NM_004035.7 (MANE Select); coding-DNA position 1804, G replaced by C.
Protein change: p.Asp602His; replaces aspartic acid 602 with histidine.
Molecular consequence: missense variant.
Genome position (GRCh38, 1-based): chr17:75,948,382, C>G on the plus strand (G>C on the coding strand, the complement: ACOX1 is on the minus strand). VCF-style: chr17-75948382-C-G. GRCh37 (hg19) VCF-style: chr17-73944463-C-G.
Other names: c.1690G>C, p.Asp564His (NM_001185039.2); c.1804G>C, p.Asp602His (NM_007292.6); short protein forms D602H, D564H.
Identifiers: ClinVar variation 2749751 (VCV002749751.3), dbSNP rs772874723, ClinGen allele CA294105816.